The following is an entry in ClinVar:

ClinVar aggregate classification (germline): Uncertain significance. Review status: criteria provided, multiple submitters, no conflicts (2 of 4 stars). 3 submissions from 3 submitters: Uncertain significance (3). Last evaluated 2024-05-09.

Conditions:
Inborn genetic diseases. Identifiers: MedGen C0950123, MeSH D030342.
Amelocerebrohypohidrotic syndrome (KTZS). Also called: Kohlschutter's syndrome; EPILEPSY AND YELLOW TEETH; EPILEPSY, DEMENTIA, AND AMELOGENESIS IMPERFECTA; KOHLSCHUTTER SYNDROME. Identifiers: Orphanet 1946, MedGen C0406740, MONDO:0009185, OMIM 226750.

Allele frequency attached by ClinVar (database versions not stated): TOPMed 0.00005; gnomAD exomes 0.00007; gnomAD 0.00009 and 0.00011; ExAC 0.00030; 1000 Genomes Project 30x 0.00031; 1000 Genomes Project 0.00040.
gnomAD v4.1: 54 of 1,562,258 alleles (0.0035%); highest among the groups gnomAD compares: African/African-American, 0.028%; no homozygotes.

Submissions (3):

Ambry Genetics
Classification: Uncertain significance for Inborn genetic diseases. Last evaluated: 2024-05-09. Review status: criteria provided, single submitter. Criteria: Ambry Variant Classification Scheme 2023. Collection method: clinical testing. Allele origin: germline.

Labcorp Genetics (formerly Invitae), Labcorp
Classification: Uncertain significance for Amelocerebrohypohidrotic syndrome. Last evaluated: 2022-10-24. Review status: criteria provided, single submitter. Criteria: Invitae Variant Classification Sherloc (09022015). Collection method: clinical testing. Allele origin: germline.
Comment: This sequence change replaces alanine, which is neutral and non-polar, with threonine, which is neutral and polar, at codon 173 of the ROGDI protein (p.Ala173Thr). This variant is present in population databases (rs544047205, gnomAD 0.04%). This variant has not been reported in the literature in individuals affected with ROGDI-related conditions. ClinVar contains an entry for this variant (Variation ID: 374424). Algorithms developed to predict the effect of missense changes on protein structure and function (SIFT, PolyPhen-2, Align-GVGD) all suggest that this variant is likely to be tolerated. In summary, the available evidence is currently insufficient to determine the role of this variant in disease. Therefore, it has been classified as a Variant of Uncertain Significance.

CeGaT Center for Human Genetics Tuebingen
Classification: Uncertain significance. Last evaluated: 2016-08-01. Review status: criteria provided, single submitter. Criteria: CeGaT Center For Human Genetics Tuebingen Variant Classification Criteria Version 2. Collection method: clinical testing. Allele origin: germline. Affected: yes. Observed: 1 variant allele.

NM_024589.3(ROGDI):c.517G>A (p.Ala173Thr)

Gene: ROGDI (rogdi atypical leucine zipper; minus strand). Cytogenetic location: 16p13.3.
Variant type: single nucleotide variant.
Coding change: c.517G>A on transcript NM_024589.3 (MANE Select); coding-DNA position 517, G replaced by A.
Protein change: p.Ala173Thr; replaces alanine 173 with threonine.
Molecular consequence: missense variant. On other transcripts: non-coding transcript variant (1).
Genome position (GRCh38, 1-based): chr16:4,798,583, C>T on the plus strand (G>A on the coding strand, the complement: ROGDI is on the minus strand). VCF-style: chr16-4798583-C-T. GRCh37 (hg19) VCF-style: chr16-4848584-C-T.
Other names: c.517G>A (NM_024589.1); short protein forms A173T.
Identifiers: ClinVar variation 374424 (VCV000374424.47), dbSNP rs544047205, ClinGen allele CA7882684.